The following is an entry in ClinVar:

ClinVar aggregate classification (germline): Uncertain significance. Review status: criteria provided, multiple submitters, no conflicts (2 of 4 stars). 2 submissions from 2 submitters: Uncertain significance (2). Last evaluated 2025-07-10.

Conditions:
Adams-Oliver syndrome 5 (AOS5). Identifiers: Orphanet 974, MedGen C4014970, MONDO:0014459, OMIM 616028.
Familial thoracic aortic aneurysm and aortic dissection (TAAD). Also called: Thoracic aortic aneurysms and dissections. Identifiers: Orphanet 91387, MedGen C4707243, MONDO:0019625.

Allele frequency attached by ClinVar (database versions not stated): TOPMed 0.00001; ExAC 0.00003; gnomAD exomes 0.00004.
gnomAD v4.1: 12 of 1,612,762 alleles (0.00074%); highest among the groups gnomAD compares: Admixed American, 0.02%; no homozygotes.

Submissions (2):

Labcorp Genetics (formerly Invitae), Labcorp
Classification: Uncertain significance for Adams-Oliver syndrome 5. Last evaluated: 2025-07-10. Review status: criteria provided, single submitter. Criteria: Invitae Variant Classification Sherloc (09022015). Collection method: clinical testing. Allele origin: germline.
Comment: This sequence change falls in intron 11 of the NOTCH1 gene. It does not directly change the encoded amino acid sequence of the NOTCH1 protein. It affects a nucleotide within the consensus splice site. This variant is present in population databases (rs748118679, gnomAD 0.03%). This variant has not been reported in the literature in individuals affected with NOTCH1-related conditions. ClinVar contains an entry for this variant (Variation ID: 544180). Variants that disrupt the consensus splice site are a relatively common cause of aberrant splicing (PMID: 17576681, 9536098). Algorithms developed to predict the effect of sequence changes on RNA splicing suggest that this variant is not likely to affect RNA splicing. In summary, the available evidence is currently insufficient to determine the role of this variant in disease. Therefore, it has been classified as a Variant of Uncertain Significance.

Ambry Genetics
Classification: Uncertain significance for Familial thoracic aortic aneurysm and aortic dissection. Last evaluated: 2024-02-05. Review status: criteria provided, single submitter. Criteria: Ambry Variant Classification Scheme 2023. Collection method: clinical testing. Allele origin: germline.
Comment: The c.1904-3C>A intronic variant results from a C to A substitution 3 nucleotides upstream from coding exon 12 in the NOTCH1 gene. This nucleotide position is well conserved in available vertebrate species. In silico splice site analysis predicts that this alteration will not have any significant effect on splicing. Based on the available evidence, the clinical significance of this alteration remains unclear.

Literature cited by the submitters: PubMed 17576681 (cited by Labcorp Genetics (formerly Invitae), Labcorp); PubMed 9536098 (cited by Labcorp Genetics (formerly Invitae), Labcorp).

NM_017617.5(NOTCH1):c.1904-3C>A

Gene: NOTCH1 (notch receptor 1; minus strand). Cytogenetic location: 9q34.3.
Variant type: single nucleotide variant.
Coding change: c.1904-3C>A on transcript NM_017617.5 (MANE Select); 3 bases into the intron before coding-DNA position 1904, C replaced by A.
Molecular consequence: intron variant.
Genome position (GRCh38, 1-based): chr9:136,515,403, G>T on the plus strand (C>A on the coding strand, the complement: NOTCH1 is on the minus strand). VCF-style: chr9-136515403-G-T. GRCh37 (hg19) VCF-style: chr9-139409855-G-T.
Other names: c.1904-3C>A (LRG_1122t1).
Identifiers: ClinVar variation 544180 (VCV000544180.7), dbSNP rs748118679, ClinGen allele CA5341567.
Genomic context (GRCh38, chr9:136,515,403, plus strand): 5'-GTGCCCGAGTCGCAGGGGCTGCTGGCACAGTCATCCAGGTTGATCTCGCAGTTGGGTCCT[G>T]AAGGGGTGGCACGTGTCGGTCAGTCCTCAGGCCCGCCCTGCCCACTGGCCCCCCGCCGGC-3'